The following is an entry in ClinVar:

ClinVar aggregate classification (germline): Likely benign (0 of 4 stars; one submission).

Conditions:
PCBP3-related disorder. Also called: PCBP3-related condition.

Allele frequency attached by ClinVar (database versions not stated): ESP Exome Variant Server 0.00008; TOPMed 0.00008; gnomAD 0.00013; ExAC 0.00040.
gnomAD v4.1: 284 of 1,611,976 alleles (0.018%); highest among the groups gnomAD compares: South Asian, 0.21%; no homozygotes.

Submission:

PreventionGenetics, part of Exact Sciences
Classification: Likely benign for PCBP3-related condition. Last evaluated: 2022-04-06. Review status: no assertion criteria provided. Collection method: clinical testing. Allele origin: germline.
Comment: This variant is classified as likely benign based on ACMG/AMP sequence variant interpretation guidelines (Richards et al. 2015 PMID: 25741868, with internal and published modifications).

NM_001384156.1(PCBP3):c.522G>A (p.Thr174=)

Gene: PCBP3 (poly(rC) binding protein 3; plus strand). Cytogenetic location: 21q22.3.
Variant type: single nucleotide variant.
Coding change: c.522G>A on transcript NM_001384156.1 (MANE Select); coding-DNA position 522, G replaced by A.
Protein change: p.Thr174=; no amino-acid change (threonine 174 retained).
Molecular consequence: synonymous variant. On other transcripts: non-coding transcript variant (2).
Genome position (GRCh38, 1-based): chr21:45,910,952, G>A. VCF-style: chr21-45910952-G-A. GRCh37 (hg19) VCF-style: chr21-47330866-G-A.
Other names: c.522G>A, p.Thr174= (NM_001130141.2, NM_001348238.2, NM_001348239.2 and 17 more transcripts); c.426G>A, p.Thr142= (NM_001348242.2, NM_001382276.1).
Identifiers: ClinVar variation 3054376 (VCV003054376.2), dbSNP rs371045522, ClinGen allele CA10068979.